The following is an entry in ClinVar:

NM_001204.7(BMPR2):c.2266A>C (p.Thr756Pro)

Gene: BMPR2 (bone morphogenetic protein receptor type 2; plus strand). Cytogenetic location: 2q33.2.
Variant type: single nucleotide variant.
Coding change: c.2266A>C on transcript NM_001204.7 (MANE Select); coding-DNA position 2266, A replaced by C.
Protein change: p.Thr756Pro; replaces threonine 756 with proline.
Molecular consequence: missense variant.
Genome position (GRCh38, 1-based): chr2:202,555,931, A>C. VCF-style: chr2-202555931-A-C. GRCh37 (hg19) VCF-style: chr2-203420654-A-C.
Other names: short protein forms T756P.
Identifiers: ClinVar variation 5033101 (VCV005033101.1).

ClinVar aggregate classification (germline): Uncertain significance (1 of 4 stars; one submission).

Conditions:
Inborn genetic diseases. Identifiers: MedGen C0950123, MeSH D030342.

Submission:

Ambry Genetics
Classification: Uncertain significance for Inborn genetic diseases. Last evaluated: 2026-07-25. Review status: criteria provided, single submitter. Criteria: Ambry Variant Classification Scheme 2023. Collection method: clinical testing. Allele origin: germline.
Comment: The p.T756P variant (also known as c.2266A>C), located in coding exon 12 of the BMPR2 gene, results from an A to C substitution at nucleotide position 2266. The threonine at codon 756 is replaced by proline, an amino acid with highly similar properties. This amino acid position is conserved. In addition, the in silico prediction for this alteration is inconclusive. Based on the available evidence, the clinical significance of this variant remains unclear.